The following is an entry in ClinVar:

ClinVar aggregate classification (germline): Pathogenic/Likely pathogenic. Review status: criteria provided, multiple submitters, no conflicts (2 of 4 stars). 4 submissions from 4 submitters: Pathogenic (1); Likely pathogenic (2). 1 of the submissions does not count toward it. Last evaluated 2026-01-19.

Conditions:
Sphingolipid activator protein 1 deficiency. Also called: METACHROMATIC LEUKODYSTROPHY DUE TO CEREBROSIDE SULFATASE ACTIVATOR DEFICIENCY; Saposin B Deficiency; Metachromatic leukodystrophy due to saposin B deficiency. Identifiers: Orphanet 512, MedGen C0268262, MONDO:0009590, OMIM 249900.
Gaucher disease due to saposin C deficiency. Also called: Saposin C Deficiency; Atypical Gaucher disease due to saposin C deficiency. Identifiers: Orphanet 309252, Orphanet 355, MedGen C1864651, MONDO:0012517, OMIM 610539.
Metachromatic leukodystrophy (MLD). Also called: METACHROMATIC LEUKOENCEPHALOPATHY; Arylsulfatase A Deficiency; SULFATIDE LIPIDOSIS; ARSA DEFICIENCY; CEREBROSIDE SULFATASE DEFICIENCY; Cerebral sclerosis diffuse metachromatic form. Identifiers: Orphanet 512, MedGen C0023522, MONDO:0018868, OMIM 250100.

Allele frequency attached by ClinVar (database versions not stated): gnomAD below 0.00001 and 0.00002; TOPMed below 0.00001; ExAC 0.00004; gnomAD exomes 0.00004 and 0.00005.
gnomAD v4.1: 60 of 1,614,012 alleles (0.0037%); highest among the groups gnomAD compares: South Asian, 0.051%; no homozygotes.

Submissions (4):

Labcorp Genetics (formerly Invitae), Labcorp
Classification: Pathogenic for Sphingolipid activator protein 1 deficiency. Last evaluated: 2026-01-19. Review status: criteria provided, single submitter. Criteria: Invitae Variant Classification Sherloc (09022015). Collection method: clinical testing. Allele origin: germline.
Comment: This sequence change replaces glutamic acid, which is acidic and polar, with alanine, which is neutral and non-polar, at codon 359 of the PSAP protein (p.Glu359Ala). This variant is present in population databases (rs765744298, gnomAD 0.04%). This missense change has been observed in individual(s) with atypical Gaucher disease (PMID: 35456468). It has also been observed to segregate with disease in related individuals. ClinVar contains an entry for this variant (Variation ID: 991967). Invitae Evidence Modeling of protein sequence and biophysical properties (such as structural, functional, and spatial information, amino acid conservation, physicochemical variation, residue mobility, and thermodynamic stability) has been performed for this missense variant. However, the output from this modeling did not meet the statistical confidence thresholds required to predict the impact of this variant on PSAP protein function. For these reasons, this variant has been classified as Pathogenic.

Victorian Clinical Genetics Services, Murdoch Childrens Research Institute
Classification: Likely pathogenic for Gaucher disease due to saposin C deficiency. Last evaluated: 2025-10-16. Review status: criteria provided, single submitter. Criteria: ACMG Guidelines, 2015. Collection method: clinical testing. Allele origin: germline. Affected: no.
Comment: This variant is classified as Likely pathogenic. Evidence in support of pathogenic classification: Variant is present in gnomAD <0.01 for a recessive condition (v4: 60 heterozygote(s), 0 homozygote(s)); This variant has limited previous evidence of pathogenicity in unrelated individual(s). This variant has been classified as likely pathogenic by a clinical laboratory (ClinVar). This variant has been reported in multiple affected homozygous individuals with atypical Gaucher disease in a large consanguineous Pakistani family (PMID 35456468); This variant has strong evidence for segregation with disease. This variant segregated with homozygous individuals affected with atypical Gaucher disease in a large consanguineous Pakistani family (PMID: 35456468). Additional information: Variant is predicted to result in a missense amino acid change from Glu to Ala; This variant is heterozygous; This gene is associated with autosomal recessive disease; Alternative amino acid change(s) at the same position are present in gnomAD (Highest allele count: v4: 2 heterozygote(s), 0 homozygote(s)); No published functional evidence has been identified for this variant; Another missense variant(s) comparable to the one identified in this case has inconclusive previous evidence for pathogenicity. p.(Glu359Lys) has been classified twice as a VUS by clinical laboratories (ClinVar); Variant is located in the annotated Sap C domain (PMID: 35456468); Missense variant with inconclusive in silico prediction and uninformative conservation; Loss of function is a known mechanism of disease in this gene and is associated with combined SAP deficiency (MIM#611721), Gaucher disease, atypical (MIM#610539), Krabbe disease, atypical (MIM#611722), and metachromatic leukodystrophy due to SAP-b deficiency (MIM#249900); Variants in this gene are known to have variable expressivity. Intrafamilial variability has been reported (PMID: 35456468).

Center for Statistical Genetics, Columbia University
Classification: Likely pathogenic for Gaucher disease due to saposin C deficiency. Last evaluated: 2021-04-14. Review status: criteria provided, single submitter. Criteria: ACMG Guidelines, 2015. Collection method: research. Allele origin: inherited. Inheritance: Autosomal recessive inheritance. Affected: yes. Observed: 4 variant alleles, 4 homozygotes. Clinical features observed: Abnormal vestibular function (HP:0001751), Thrombocytopenia (HP:0001873), Prelingual sensorineural hearing impairment (HP:0000399), Kyphosis (HP:0002808), Osteopenia (HP:0000938), Hepatosplenomegaly (HP:0001433).

Natera, Inc.
Classification: Uncertain significance for Metachromatic leukodystrophy. Last evaluated: 2020-04-11. Review status: no assertion criteria provided. Collection method: clinical testing. Allele origin: germline. Not counted in ClinVar's aggregate classification.

Literature cited by the submitters: PubMed 35456468 (cited by Labcorp Genetics (formerly Invitae), Labcorp and Victorian Clinical Genetics Services, Murdoch Childrens Research Institute).

NM_002778.4(PSAP):c.1076A>C (p.Glu359Ala)

Gene: PSAP (prosaposin; minus strand). Cytogenetic location: 10q22.1.
Variant type: single nucleotide variant.
Coding change: c.1076A>C on transcript NM_002778.4 (MANE Select); coding-DNA position 1076, A replaced by C.
Protein change: p.Glu359Ala; replaces glutamic acid 359 with alanine.
Molecular consequence: missense variant.
Genome position (GRCh38, 1-based): chr10:71,819,830, T>G on the plus strand (A>C on the coding strand, the complement: PSAP is on the minus strand). VCF-style: chr10-71819830-T-G. GRCh37 (hg19) VCF-style: chr10-73579587-T-G.
Other names: c.1085A>C, p.Glu362Ala (NM_001042465.3); c.1082A>C, p.Glu361Ala (NM_001042466.3); short protein forms E359A, E361A, E362A.
Identifiers: ClinVar variation 991967 (VCV000991967.9), dbSNP rs765744298, ClinGen allele CA5547486.